The following is an entry in ClinVar:

ClinVar aggregate classification (germline): Uncertain significance (1 of 4 stars; one submission).

Conditions:
Hereditary spastic paraplegia 28. Also called: Spastic paraplegia 28, autosomal recessive. Identifiers: Orphanet 101008, MedGen C1836295, MONDO:0012256, OMIM 609340.

gnomAD v4.1: 6 of 1,614,162 alleles (0.00037%); highest among the groups gnomAD compares: Admixed American, 0.0017%; no homozygotes.

Submission:

Labcorp Genetics (formerly Invitae), Labcorp
Classification: Uncertain significance for Hereditary spastic paraplegia 28. Last evaluated: 2025-06-14. Review status: criteria provided, single submitter. Criteria: Invitae Variant Classification Sherloc (09022015). Collection method: clinical testing. Allele origin: germline.
Comment: This sequence change replaces isoleucine, which is neutral and non-polar, with valine, which is neutral and non-polar, at codon 746 of the DDHD1 protein (p.Ile746Val). This variant is present in population databases (rs771800541, gnomAD 0.003%). This variant has not been reported in the literature in individuals affected with DDHD1-related conditions. Invitae Evidence Modeling of protein sequence and biophysical properties (such as structural, functional, and spatial information, amino acid conservation, physicochemical variation, residue mobility, and thermodynamic stability) indicates that this missense variant is not expected to disrupt DDHD1 protein function with a negative predictive value of 80%. In summary, the available evidence is currently insufficient to determine the role of this variant in disease. Therefore, it has been classified as a Variant of Uncertain Significance.

NM_001160148.2(DDHD1):c.2215A>G (p.Ile739Val)

Gene: DDHD1 (DDHD domain containing 1; minus strand). Cytogenetic location: 14q22.1.
Variant type: single nucleotide variant.
Coding change: c.2215A>G on transcript NM_001160148.2 (MANE Select); coding-DNA position 2215, A replaced by G.
Protein change: p.Ile739Val; replaces isoleucine 739 with valine.
Molecular consequence: missense variant.
Genome position (GRCh38, 1-based): chr14:53,055,690, T>C on the plus strand (A>G on the coding strand, the complement: DDHD1 is on the minus strand). VCF-style: chr14-53055690-T-C. GRCh37 (hg19) VCF-style: chr14-53522408-T-C.
Other names: c.2236A>G, p.Ile746Val (NM_001160147.2); c.2215A>G, p.Ile739Val (NM_030637.3); short protein forms I739V, I746V.
Identifiers: ClinVar variation 4754147 (VCV004754147.1).